The following is an entry in ClinVar:

ClinVar aggregate classification (germline): Likely benign. Review status: criteria provided, multiple submitters, no conflicts (2 of 4 stars). 3 submissions from 3 submitters: Likely benign (3). Last evaluated 2024-05-01.

Conditions:
Developmental and epileptic encephalopathy, 53. Also called: Epileptic encephalopathy, early infantile, 53. Identifiers: MedGen C4479313, MONDO:0033362, OMIM 617389.
Early-onset Parkinson disease 20. Also called: PARKINSON DISEASE 20, AUTOSOMAL RECESSIVE EARLY-ONSET. Identifiers: Orphanet 391411, MedGen C3809824, MONDO:0014233, OMIM 615530.

Allele frequency attached by ClinVar (database versions not stated): gnomAD exomes below 0.00001 and 0.00002; ExAC 0.00001; gnomAD 0.00001; TOPMed 0.00001.
gnomAD v4.1: 13 of 1,613,960 alleles (0.00081%); highest among the groups gnomAD compares: Admixed American, 0.0067%; no homozygotes.

Submissions (3):

CeGaT Center for Human Genetics Tuebingen
Classification: Likely benign. Last evaluated: 2024-05-01. Review status: criteria provided, single submitter. Criteria: CeGaT Center For Human Genetics Tuebingen Variant Classification Criteria Version 2. Collection method: clinical testing. Allele origin: germline. Affected: yes. Observed: 1 variant allele.
Comment: SYNJ1: BP4, BP7

Labcorp Genetics (formerly Invitae), Labcorp
Classification: Likely benign for Developmental and epileptic encephalopathy, 53; Early-onset Parkinson disease 20. Last evaluated: 2024-02-26. Review status: criteria provided, single submitter. Criteria: Invitae Variant Classification Sherloc (09022015). Collection method: clinical testing. Allele origin: germline.

Blueprint Genetics
Classification: Likely benign. Last evaluated: 2023-12-12. Review status: criteria provided, single submitter. Criteria: ACMG Guidelines, 2015. Collection method: clinical testing. Allele origin: germline.

NM_203446.3(SYNJ1):c.3639G>A (p.Arg1213=)

Gene: SYNJ1 (synaptojanin 1; minus strand). Cytogenetic location: 21q22.11.
Variant type: single nucleotide variant.
Coding change: c.3639G>A on transcript NM_203446.3 (MANE Select); coding-DNA position 3639, G replaced by A.
Protein change: p.Arg1213=; no amino-acid change (arginine 1213 retained).
Molecular consequence: synonymous variant.
Genome position (GRCh38, 1-based): chr21:32,639,729, C>T on the plus strand (G>A on the coding strand, the complement: SYNJ1 is on the minus strand). VCF-style: chr21-32639729-C-T. GRCh37 (hg19) VCF-style: chr21-34012039-C-T.
Other names: c.3591G>A, p.Arg1197= (NM_001160302.2); c.3498G>A, p.Arg1166= (NM_001160306.2); c.3756G>A, p.Arg1252= (NM_003895.4).
Identifiers: ClinVar variation 1670135 (VCV001670135.28), dbSNP rs745882722, ClinGen allele CA10003300.
Genomic context (GRCh38, chr21:32,639,729, plus strand): 5'-ACCTTTCGACGTTTCTGATGTTTTGCTTTGGCTTTCAGGAGTCAGTCTTCCAGCAGATGC[C>T]CGCGCGTGGCTCTGTGGGGCACTGATAACTCCAGCACGAGGAGGAATCGTCTACAGATAG-3'
Protein context (NP_982271.3, residues 1203-1223): GVISAPQSHA[Arg1213=]ASAGRLTPES